The following is an entry in ClinVar:

ClinVar aggregate classification (germline): Uncertain significance (1 of 4 stars; one submission).

Conditions:
Coffin-Siris syndrome 1 (CSS1). Also called: ARID1B-Related Coffin-Siris Syndrome; Mental retardation, autosomal dominant 12. Identifiers: Orphanet 1465, MedGen C3281201, MONDO:0007617, OMIM 135900. Disease mechanism: gain of function.

Submission:

Dasa
Classification: Uncertain significance for Coffin-Siris syndrome 1. Last evaluated: 2026-01-23. Review status: criteria provided, single submitter. Criteria: DASA Assertion Criteria. Collection method: clinical testing. Allele origin: germline.
Comment: NM_001374828.1(ARID1B):c.5264-3C>A is a splice-region variant predicted to affect normal RNA splicing. This variant affects a splice-region context with prior evidence supporting clinical relevance. This variant is absent from population databases. Computational prediction algorithms are consistent with a deleterious effect. The currently available literature and clinical evidence are not sufficient to establish a definitive association between this variant and the reported condition. Therefore, this variant is classified as a variant of uncertain significance.

NM_001374828.1(ARID1B):c.5264-3C>A

Gene: ARID1B (AT-rich interaction domain 1B; plus strand). Cytogenetic location: 6q25.3.
Variant type: single nucleotide variant.
Coding change: c.5264-3C>A on transcript NM_001374828.1 (MANE Select); 3 bases into the intron before coding-DNA position 5264, C replaced by A.
Molecular consequence: intron variant.
Genome position (GRCh38, 1-based): chr6:157,203,863, C>A. VCF-style: chr6-157203863-C-A. GRCh37 (hg19) VCF-style: chr6-157524997-C-A.
Other names: c.5144-3C>A (NM_001371656.1, NM_001374820.1); c.5306-3C>A (NM_001438483.1); c.5147-3C>A (NM_001438486.1); c.5393-3C>A (NM_001438482.1); c.5105-3C>A (NM_017519.3); c.5084-3C>A (NM_001438487.1); c.5174-3C>A (NM_001438485.1); c.2765-3C>A (NM_001363725.2); and 1 more.
Identifiers: ClinVar variation 4881152 (VCV004881152.2).
Genomic context (GRCh38, chr6:157,203,863, plus strand): 5'-AACTTTCGTTCTTTCATGCATAGAGTCAACATTCATGATATCCTTGTTCTTCCCCATCTT[C>A]AGTTACTCCTGAGGCGTGGCGTGTGATGATGTCCCTTAAATCAGGTCTTTTGGCTGAGAG-3'